The following is an entry in ClinVar:

NM_001844.5(COL2A1):c.3083C>T (p.Thr1028Met)

Gene: COL2A1 (collagen type II alpha 1 chain; minus strand). Cytogenetic location: 12q13.11.
Variant type: single nucleotide variant.
Coding change: c.3083C>T on transcript NM_001844.5 (MANE Select); coding-DNA position 3083, C replaced by T.
Protein change: p.Thr1028Met; replaces threonine 1028 with methionine.
Molecular consequence: missense variant.
Genome position (GRCh38, 1-based): chr12:47,978,038, G>A on the plus strand (C>T on the coding strand, the complement: COL2A1 is on the minus strand). VCF-style: chr12-47978038-G-A. GRCh37 (hg19) VCF-style: chr12-48371821-G-A.
Other names: c.3083C>T (NM_001844.4); c.2876C>T, p.Thr959Met (NM_033150.3); short protein forms T1028M, T959M.
Identifiers: ClinVar variation 1467436 (VCV001467436.11), dbSNP rs770907704, ClinGen allele CA6534902.
Genomic context (GRCh38, chr12:47,978,038, plus strand): 5'-TCAGGGCCACCCCAGGGGGTCTCACTGCTCACCTCTCGTCCAGGTTCACCTGCAGGACCC[G>A]TCAGGCCAGGAGGACCCACGGGGCCAGGAGGACCTCTGTCTCCAGATGCTCCAGGAGCAC-3'
Protein context (NP_001835.3, residues 1018-1038): PPGPVGPPGL[Thr1028Met]GPAGEPGREG

ClinVar aggregate classification (germline): Conflicting classifications of pathogenicity. Review status: criteria provided, conflicting classifications (1 of 4 stars). 2 submissions from 2 submitters: Uncertain significance (1); Likely benign (1). Last evaluated 2024-03-28.

Allele frequency attached by ClinVar (database versions not stated): ExAC 0.00001; gnomAD exomes 0.00001; TOPMed 0.00001.
gnomAD v4.1: 17 of 1,613,718 alleles (0.0011%); highest among the groups gnomAD compares: Middle Eastern, 0.016%; no homozygotes.

Submissions (2):

Labcorp Genetics (formerly Invitae), Labcorp
Classification: Likely benign. Last evaluated: 2024-03-28. Review status: criteria provided, single submitter. Criteria: Invitae Variant Classification Sherloc (09022015). Collection method: clinical testing. Allele origin: germline.

GeneDx
Classification: Uncertain significance. Last evaluated: 2023-05-01. Review status: criteria provided, single submitter. Criteria: GeneDx Variant Classification Process June 2021. Collection method: clinical testing. Allele origin: germline. Affected: yes.
Comment: In silico analysis supports that this missense variant has a deleterious effect on protein structure/function; Occurs in the triple helical domain at the Y position in the canonical Gly-X-Y repeat; although this variant may have an effect on normal protein folding and function, missense substitution at the Y position is not a common mechanism of disease (HGMD); Has not been previously published as pathogenic or benign in association with a COL2A1-related disorder to our knowledge; This variant is associated with the following publications: (PMID: 30029678)